The following is an entry in ClinVar:

NM_005654.6(NR2F1):c.574C>G (p.Leu192Val)

Gene: NR2F1 (nuclear receptor subfamily 2 group F member 1; plus strand). Cytogenetic location: 5q15.
Variant type: single nucleotide variant.
Coding change: c.574C>G on transcript NM_005654.6 (MANE Select); coding-DNA position 574, C replaced by G.
Protein change: p.Leu192Val; replaces leucine 192 with valine.
Molecular consequence: missense variant.
Genome position (GRCh38, 1-based): chr5:93,588,027, C>G. VCF-style: chr5-93588027-C-G. GRCh37 (hg19) VCF-style: chr5-92923733-C-G.
Other names: c.124C>G, p.Leu42Val (NM_001410754.1); short protein forms L192V, L42V.
Identifiers: ClinVar variation 3384494 (VCV003384494.1).

ClinVar aggregate classification (germline): Uncertain significance (1 of 4 stars; one submission).

Submission:

GeneDx
Classification: Uncertain significance. Last evaluated: 2024-05-31. Review status: criteria provided, single submitter. Criteria: GeneDx Variant Classification Process June 2021. Collection method: clinical testing. Allele origin: germline. Affected: yes.
Comment: Not observed at significant frequency in large population cohorts (gnomAD); In silico analysis supports that this missense variant has a deleterious effect on protein structure/function; Has not been previously published as pathogenic or benign to our knowledge